The following is an entry in ClinVar:

NM_000051.4(ATM):c.322G>A (p.Ala108Thr)

Gene: ATM (ATM serine/threonine kinase; plus strand). Cytogenetic location: 11q22.3.
Variant type: single nucleotide variant.
Coding change: c.322G>A on transcript NM_000051.4 (MANE Select); coding-DNA position 322, G replaced by A.
Protein change: p.Ala108Thr; replaces alanine 108 with threonine.
Molecular consequence: missense variant.
Genome position (GRCh38, 1-based): chr11:108,229,314, G>A. VCF-style: chr11-108229314-G-A. GRCh37 (hg19) VCF-style: chr11-108100041-G-A.
Other names: p.A108T:GCA>ACA; c.322G>A, p.Ala108Thr (NM_001351834.2, NM_001351835.2, NM_001351836.2); short protein forms A108T.
Identifiers: ClinVar variation 181958 (VCV000181958.21), dbSNP rs730881370, ClinGen allele CA298248.

ClinVar aggregate classification (germline): Uncertain significance. Review status: criteria provided, multiple submitters, no conflicts (2 of 4 stars). 5 submissions from 5 submitters: Uncertain significance (5). Last evaluated 2025-11-30.

Conditions:
Hereditary cancer-predisposing syndrome. Also called: Tumor predisposition; Hereditary Cancer Syndrome; Hereditary neoplastic syndrome; Neoplastic Syndromes, Hereditary. Identifiers: Orphanet 140162, MedGen C0027672, MeSH D009386, MONDO:0015356.
Familial cancer of breast. Also called: BREAST CANCER, FAMILIAL; hereditary breast carcinoma; Hereditary breast cancer. Identifiers: Orphanet 227535, MedGen C0346153, MONDO:0016419, OMIM 114480. Disease mechanism: loss of function.
Ataxia-telangiectasia syndrome (AT). Also called: LOUIS-BAR SYNDROME; Cerebello-oculocutaneous telangiectasia; Immunodeficiency with ataxia telangiectasia; ATAXIA-TELANGIECTASIA, COMPLEMENTATION GROUP A; ATAXIA-TELANGIECTASIA, FRESNO VARIANT; Ataxia-telangiectasia. Identifiers: Orphanet 100, MedGen C0004135, MONDO:0008840, OMIM 208900.

Allele frequency attached by ClinVar (database versions not stated): gnomAD exomes below 0.00001; TOPMed below 0.00001; ExAC 0.00001; gnomAD 0.00001.
gnomAD v4.1: 2 of 1,611,706 alleles (0.00012%); highest among the groups gnomAD compares: Non-Finnish European, 0.000085%; no homozygotes.

Submissions (5):

Labcorp Genetics (formerly Invitae), Labcorp
Classification: Uncertain significance for Ataxia-telangiectasia syndrome. Last evaluated: 2025-11-30. Review status: criteria provided, single submitter. Criteria: Invitae Variant Classification Sherloc (09022015). Collection method: clinical testing. Allele origin: germline.
Comment: This sequence change replaces alanine, which is neutral and non-polar, with threonine, which is neutral and polar, at codon 108 of the ATM protein (p.Ala108Thr). This variant is present in population databases (rs730881370, gnomAD 0.0009%). This missense change has been observed in individual(s) with breast cancer (PMID: 29522266). ClinVar contains an entry for this variant (Variation ID: 181958). Invitae Evidence Modeling of protein sequence and biophysical properties (such as structural, functional, and spatial information, amino acid conservation, physicochemical variation, residue mobility, and thermodynamic stability) indicates that this missense variant is not expected to disrupt ATM protein function with a negative predictive value of 95%. In summary, the available evidence is currently insufficient to determine the role of this variant in disease. Therefore, it has been classified as a Variant of Uncertain Significance.

Color Diagnostics, LLC DBA Color Health
Classification: Uncertain significance for Hereditary cancer-predisposing syndrome. Last evaluated: 2024-07-09. Review status: criteria provided, single submitter. Criteria: ACMG Guidelines, 2015. Collection method: clinical testing. Allele origin: germline.
Comment: This missense variant replaces alanine with threonine at codon 108 of the ATM protein. Computational prediction suggests that this variant may not impact protein structure and function (internally defined REVEL score threshold <= 0.5, PMID: 27666373). To our knowledge, functional studies have not been reported for this variant. This variant has been reported in a cohort of BRCA1/2 negative individuals affected with breast cancer (PMID: 29522266). This variant has been identified in 1/250552 chromosomes in the general population by the Genome Aggregation Database (gnomAD). The available evidence is insufficient to determine the role of this variant in disease conclusively. Therefore, this variant is classified as a Variant of Uncertain Significance.

Ambry Genetics
Classification: Uncertain significance for Hereditary cancer-predisposing syndrome. Last evaluated: 2024-01-27. Review status: criteria provided, single submitter. Criteria: Ambry Variant Classification Scheme 2023. Collection method: clinical testing. Allele origin: germline.
Comment: The p.A108T variant (also known as c.322G>A), located in coding exon 3 of the ATM gene, results from a G to A substitution at nucleotide position 322. The alanine at codon 108 is replaced by threonine, an amino acid with similar properties. This alteration was detected in 1/5589 German BRCA1/2-negative probands with breast cancer (Hauke J et al. Cancer Med, 2018 04;7:1349-1358). This amino acid position is highly conserved in available vertebrate species. In addition, the in silico prediction for this alteration is inconclusive. Since supporting evidence is limited at this time, the clinical significance of this alteration remains unclear.

GeneDx
Classification: Uncertain significance. Last evaluated: 2023-09-20. Review status: criteria provided, single submitter. Criteria: GeneDx Variant Classification Process June 2021. Collection method: clinical testing. Allele origin: germline. Affected: yes.
Comment: Not observed at significant frequency in large population cohorts (gnomAD); In silico analysis supports that this missense variant has a deleterious effect on protein structure/function; Identified in an individual with breast cancer (Hauke et al., 2018); This variant is associated with the following publications: (PMID: 29522266)

Baylor Genetics
Classification: Uncertain significance for Familial cancer of breast. Last evaluated: 2023-09-05. Review status: criteria provided, single submitter. Criteria: ACMG Guidelines, 2015. Collection method: clinical testing. Allele origin: unknown.

Literature cited by the submitters: PubMed 29522266 (cited by 3 submitters).